The following is an entry in ClinVar:

ClinVar aggregate classification (germline): Likely pathogenic (1 of 4 stars; one submission).

Conditions:
Neurodevelopmental disorder with language delay and behavioral abnormalities, with or without seizures (NEDLBAS). Identifiers: MedGen C5830365, MONDO:0859531, OMIM 620292.

Submission:

Victorian Clinical Genetics Services, Murdoch Childrens Research Institute
Classification: Likely pathogenic for Neurodevelopmental disorder with language delay and behavioral abnormalities, with or without seizures. Last evaluated: 2025-10-27. Review status: criteria provided, single submitter. Criteria: ACMG Guidelines, 2015. Collection method: clinical testing. Allele origin: germline. Affected: yes.
Comment: This variant is classified as Likely pathogenic. Evidence in support of pathogenic classification: Variant is absent from gnomAD (v2, v3 and v4); Additional information: Variant is predicted to result in a missense amino acid change from glutamine to lysine; This variant is heterozygous; This gene is associated with autosomal dominant disease; Alternative amino acid change(s) at the same position are present in gnomAD (Highest allele count: v4: 1 heterozygote(s), 0 homozygote(s)); This variant has no previous evidence of pathogenicity; No published evidence of segregation with disease has been identified for this variant; No published functional evidence has been identified for this variant; No comparable missense variants have previous evidence for pathogenicity; Variant is located in the annotated argonaute linker 2 domain (DECIPHER); Missense variant with inconclusive in silico prediction and uninformative conservation; The mechanism of disease for this gene is not clearly established.

NM_012199.5(AGO1):c.1249C>A (p.Gln417Lys)

Gene: AGO1 (argonaute RISC component 1; plus strand). Cytogenetic location: 1p34.3.
Variant type: single nucleotide variant.
Coding change: c.1249C>A on transcript NM_012199.5 (MANE Select); coding-DNA position 1249, C replaced by A.
Protein change: p.Gln417Lys; replaces glutamine 417 with lysine.
Molecular consequence: missense variant.
Genome position (GRCh38, 1-based): chr1:35,902,056, C>A. VCF-style: chr1-35902056-C-A. GRCh37 (hg19) VCF-style: chr1-36367657-C-A.
Other names: c.1249C>A, p.Gln417Lys (NM_001317122.2); c.1024C>A, p.Gln342Lys (NM_001317123.2); short protein forms Q342K, Q417K.
Identifiers: ClinVar variation 3254954 (VCV003254954.2), dbSNP rs2523869404.
Genomic context (GRCh38, chr1:35,902,056, plus strand): 5'-ATCAAAGTGAAGGATGACATGACGGAGGTGACAGGGCGAGTGCTGCCGGCGCCCATCTTG[C>A]AGTACGGCGGCCGGGTGAGCAGGGTCAGGGCCAGACAACATCTCGGGGCATATGGGGGTG-3'
Protein context (NP_036331.1, residues 407-427): TGRVLPAPIL[Gln417Lys]YGGRNRAIAT